The following is an entry in ClinVar:

ClinVar aggregate classification (germline): Likely pathogenic. Review status: criteria provided, multiple submitters, no conflicts (2 of 4 stars). 4 submissions from 4 submitters: Likely pathogenic (4). Last evaluated 2025-05-08.

Conditions:
Leukoencephalopathy, progressive, infantile-onset, with or without deafness. Identifiers: MedGen C5542996, MONDO:0030893, OMIM 619147.

Allele frequency attached by ClinVar (database versions not stated): gnomAD exomes 0.00004; gnomAD 0.00002; TOPMed 0.00002.
gnomAD v4.1: 60 of 1,614,104 alleles (0.0037%); highest among the groups gnomAD compares: Non-Finnish European, 0.0048%; no homozygotes.

Submissions (4):

Ambry Genetics
Classification: Likely pathogenic. Last evaluated: 2025-05-08. Review status: criteria provided, single submitter. Criteria: Ambry Variant Classification Scheme 2023. Collection method: clinical testing. Allele origin: germline.
Comment: The c.774A>T (p.R258S) alteration is located in exon 7 (coding exon 6) of the KARS gene. This alteration results from an A to T substitution at nucleotide position 774, causing the arginine (R) at amino acid position 258 to be replaced by a serine (S). This variant was not reported in population-based cohorts in the Genome Aggregation Database (gnomAD). This variant has been identified in the homozygous state and/or in conjunction with other KARS variant(s) in individual(s) with features consistent with Cytoplasmic and mitochondrial lysyl-tRNA synthetase deficiency; in at least one instance, the variants were identified in trans (Lin, 2021; Macken, 2022). This amino acid position is highly conserved in available vertebrate species. This alteration is predicted to be deleterious by in silico analysis. Based on the available evidence, this alteration is classified as likely pathogenic.

Mayo Clinic Laboratories, Mayo Clinic
Classification: Likely pathogenic. Last evaluated: 2024-08-06. Review status: criteria provided, single submitter. Criteria: ACMG Guidelines, 2015. Collection method: clinical testing. Allele origin: germline.
Comment: PP3, PM2, PM3, PS4_moderate

GeneDx
Classification: Likely pathogenic. Last evaluated: 2023-08-30. Review status: criteria provided, single submitter. Criteria: GeneDx Variant Classification Process June 2021. Collection method: clinical testing. Allele origin: germline. Affected: yes.
Comment: Observed in unrelated patients with KARS1-related aminoacyl-tRNA synthetase deficiency in published literature (Schon et al., 2021; Macken et al., 2022); however it is unclear whether the variants are on the same allele (in cis) or on opposite alleles (in trans); Not observed in large population cohorts (gnomAD); In silico analysis supports that this missense variant has a deleterious effect on protein structure/function; This variant is associated with the following publications: (PMID: 34172899, 36344503, 34732400)

Medical Genetics, Spectrum Health
Classification: Likely pathogenic for Leukoencephalopathy, progressive, infantile-onset, with or without deafness. Last evaluated: 2023-08-01. Review status: criteria provided, single submitter. Criteria: ACMG Guidelines, 2015. Collection method: clinical testing. Allele origin: germline. Affected: yes.

Literature cited by the submitters: PubMed 34172899 (cited by Ambry Genetics and Mayo Clinic Laboratories, Mayo Clinic); PubMed 36344503 (cited by Ambry Genetics and Mayo Clinic Laboratories, Mayo Clinic); PubMed 34732400 (cited by Mayo Clinic Laboratories, Mayo Clinic); PubMed 38980148 (cited by Mayo Clinic Laboratories, Mayo Clinic); PubMed 39062730 (cited by Mayo Clinic Laboratories, Mayo Clinic).

NM_005548.3(KARS1):c.690A>T (p.Arg230Ser)

Gene: KARS1 (lysyl-tRNA synthetase 1; minus strand). Cytogenetic location: 16q23.1.
Variant type: single nucleotide variant.
Coding change: c.690A>T on transcript NM_005548.3 (MANE Select); coding-DNA position 690, A replaced by T.
Protein change: p.Arg230Ser; replaces arginine 230 with serine.
Molecular consequence: missense variant.
Genome position (GRCh38, 1-based): chr16:75,635,785, T>A on the plus strand (A>T on the coding strand, the complement: KARS1 is on the minus strand). VCF-style: chr16-75635785-T-A. GRCh37 (hg19) VCF-style: chr16-75669683-T-A.
Other names: p.Arg258Ser; c.774A>T, p.Arg258Ser (NM_001130089.2); c.222A>T, p.Arg74Ser (NM_001378148.1); short protein forms R258S, R230S, R74S.
Identifiers: ClinVar variation 547985 (VCV000547985.17), dbSNP rs1370913867, ClinGen allele CA396813559.